The following is an entry in ClinVar:

ClinVar aggregate classification (germline): Pathogenic. Review status: criteria provided, multiple submitters, no conflicts (2 of 4 stars). 4 submissions from 4 submitters: Pathogenic (2). 2 of the submissions do not count toward it. Last evaluated 2023-11-13.

Conditions:
Mitochondrial DNA depletion syndrome, encephalomyopathic form with methylmalonic aciduria (MTDPS5). Also called: Mitochondrial encephalomyopathy aminoacidopathy; SUCLA2-Related Mitochondrial DNA Depletion Syndrome, Encephalomyopathic Form with Methylmalonic Aciduria; MITOCHONDRIAL DNA DEPLETION SYNDROME, ENCEPHALOMYOPATHIC FORM, WITH OR WITHOUT METHYLMALONIC ACIDURIA, AUTOSOMAL RECESSIVE, SUCLA2-RELATED; Mitochondrial DNA depletion syndrome 5 (encephalomyopathic with or without methylmalonic aciduria). Identifiers: Orphanet 1933, MedGen C5980207, MONDO:0012791, OMIM 612073.

Allele frequency attached by ClinVar (database versions not stated): gnomAD exomes 0.00001; ExAC 0.00001; TOPMed 0.00001.
gnomAD v4.1: 9 of 1,613,678 alleles (0.00056%); highest among the groups gnomAD compares: Non-Finnish European, 0.00076%; no homozygotes.

Submissions (4):

Labcorp Genetics (formerly Invitae), Labcorp
Classification: Pathogenic for Mitochondrial DNA depletion syndrome, encephalomyopathic form with methylmalonic aciduria. Last evaluated: 2023-11-13. Review status: criteria provided, single submitter. Criteria: Invitae Variant Classification Sherloc (09022015). Collection method: clinical testing. Allele origin: germline.
Comment: This sequence change affects a donor splice site in intron 4 of the SUCLA2 gene. It is expected to disrupt RNA splicing. Variants that disrupt the donor or acceptor splice site typically lead to a loss of protein function (PMID: 16199547), and loss-of-function variants in SUCLA2 are known to be pathogenic (PMID: 15877282, 17301081). This variant is present in population databases (rs113994161, gnomAD 0.003%). Disruption of this splice site has been observed in individual(s) with clinical features of mitochondrial DNA depletion syndrome (PMID: 17301081). It has also been observed to segregate with disease in related individuals. ClinVar contains an entry for this variant (Variation ID: 5976). Studies have shown that disruption of this splice site is associated with altered splicing resulting in multiple RNA products (PMID: 17301081). For these reasons, this variant has been classified as Pathogenic.

Women's Health and Genetics/Laboratory Corporation of America, LabCorp
Classification: Pathogenic for Mitochondrial DNA depletion syndrome, encephalomyopathic form with methylmalonic aciduria. Last evaluated: 2023-07-25. Review status: criteria provided, single submitter. Criteria: LabCorp Variant Classification Summary - May 2015. Collection method: clinical testing. Allele origin: germline.
Comment: Variant summary: SUCLA2 c.534+1G>A is located in a canonical splice-site and is predicted to affect mRNA splicing resulting in a significantly altered protein due to either exon skipping, shortening, or inclusion of intronic material. Several computational tools predict a significant impact on normal splicing: Three predict the variant abolishes a 5' splicing donor site. At least one publication reports experimental evidence that this variant affects mRNA splicing, demonstrating that the variant creates multiple abberrant transcripts that are missing exons 2, 3 and some or all of exon 4 (e.g., Carrozzo_2007) The variant allele was found at a frequency of 1.2e-05 in 251194 control chromosomes. c.534+1G>A has been reported in the literature in multiple homozygous individuals affected with Mitochondrial DNA Depletion Syndrome, Encephalomyopathic Form With Methylmalonic Aciduria (e.g., Carrozzo_2007) . These data indicate that the variant is very likely to be associated with disease. The following publication has been ascertained in the context of this evaluation (PMID: 17301081). One submitter has cited clinical-significance assessments for this variant to ClinVar after 2014 and has classified the variant as pathogenic. Based on the evidence outlined above, the variant was classified as pathogenic.

OMIM
Classification: Pathogenic for MITOCHONDRIAL DNA DEPLETION SYNDROME 5 (ENCEPHALOMYOPATHIC TYPE WITH METHYLMALONIC ACIDURIA). Last evaluated: 2007-03-01. Review status: no assertion criteria provided. Collection method: literature only. Allele origin: germline. Not counted in ClinVar's aggregate classification.

GeneReviews
No classification provided. Condition: Mitochondrial DNA depletion syndrome, encephalomyopathic form with methylmalonic aciduria. Review status: no classification provided. Collection method: literature only. Allele origin: unknown. Not counted in ClinVar's aggregate classification.

Literature cited by the submitters: PubMed 16199547 (cited by Labcorp Genetics (formerly Invitae), Labcorp); PubMed 15877282 (cited by Labcorp Genetics (formerly Invitae), Labcorp); PubMed 17301081 (cited by 3 submitters); PubMed 17287286 (cited by OMIM); PubMed 20301762 (cited by GeneReviews); NCBI Bookshelf NBK6803 (cited by GeneReviews).

NM_003850.3(SUCLA2):c.534+1G>A

Gene: SUCLA2 (succinate-CoA ligase ADP-forming subunit beta; minus strand). Cytogenetic location: 13q14.2.
Variant type: single nucleotide variant.
Coding change: c.534+1G>A on transcript NM_003850.3 (MANE Select); the canonical splice donor site of the intron after coding-DNA position 534, G replaced by A.
Molecular consequence: splice donor variant.
Genome position (GRCh38, 1-based): chr13:47,988,540, C>T on the plus strand (G>A on the coding strand, the complement: SUCLA2 is on the minus strand). VCF-style: chr13-47988540-C-T. GRCh37 (hg19) VCF-style: chr13-48562675-C-T.
Other names: IVS4DS, G-A, +1.
Identifiers: ClinVar variation 5976 (VCV000005976.10), dbSNP rs113994161, ClinGen allele CA342003.